The following is an entry in ClinVar:

NM_182760.4(SUMF1):c.*10_*11delinsGT

Gene: SUMF1 (sulfatase modifying factor 1; minus strand). Cytogenetic location: 3p26.1.
Variant type: Indel.
Coding change: c.*10_*11delinsGT on transcript NM_182760.4 (MANE Select); 10 bases downstream of the stop codon through 11 bases downstream of the stop codon, AA replaced by GT.
Molecular consequence: 3 prime UTR variant.
Genome position (GRCh38, 1-based): chr3:4,362,133-4,362,134, TT replaced by AC on the plus strand (AA replaced by GT on the coding strand, the reverse complement: SUMF1 is on the minus strand). VCF-style: chr3-4362133-TT-AC. GRCh37 (hg19) VCF-style: chr3-4403817-TT-AC.
Other names: c.*10_*11delinsGT (NM_001164674.2, NM_001164675.2).
Identifiers: ClinVar variation 558943 (VCV000558943.6), dbSNP rs71623163, ClinGen allele CA68749433.
Genomic context (GRCh38, chr3:4,362,133, plus strand): 5'-AAGTTCTGAGAAAAGCCCAATGTAGGTCAGACACGACTGCTCCTTGGACTGGGGAAGACT[TT>AC]CCTTGGTTGTCAGTCCATAGTGGGCAGGCGGTCGGCTGCACAGCGGAATCCCAGATTCGA-3'

ClinVar aggregate classification (germline): Benign. Review status: criteria provided, single submitter (1 of 4 stars). 2 submissions from 2 submitters: Benign (1). 1 of the submissions does not count toward it. Last evaluated 2017-12-29.

Submissions (2):

Women's Health and Genetics/Laboratory Corporation of America, LabCorp
Classification: Benign. Last evaluated: 2017-12-29. Review status: criteria provided, single submitter. Criteria: LabCorp Variant Classification Summary - May 2015. Collection method: clinical testing. Allele origin: germline.
Comment: Variant summary: The SUMF1 c.*10_*11delinsGT variant involves the alteration of two non-conserved nucleotides in 3'-UTR. One in silico tool predicts a benign outcome for this variant. The variant of interest has been commonly reported as two independent variants, c.*10A>G and c.*11A>T. Both independent variants have been reported in the large, broad control population, gnomAD: c.*10A>G in 135966/274896 controls chromosomes (0.4946) and c.*11A>T in 173567/275008 control chromsomes (0.6311). Both frequencies are significantly higher than the estimated maximal expected allele frequency of a pathogenic SUMF1 variant (0.001118), suggesting the variant of interest is likely a benign polymorphism. In addition, multiple clinical diagnostic laboratories have cited each variant independent with classifications of "benign." Taken together, this variant is classified as benign.

Mayo Clinic Laboratories, Mayo Clinic
Classification: Likely benign. Last evaluated: 2015-10-22. Review status: no assertion criteria provided. Collection method: clinical testing. Allele origin: unknown. Not counted in ClinVar's aggregate classification.